The following is an entry in ClinVar:

ClinVar aggregate classification (germline): Conflicting classifications of pathogenicity. Review status: criteria provided, conflicting classifications (1 of 4 stars). 13 submissions from 9 submitters: Uncertain significance (11); Likely benign (2). Last evaluated 2026-06-19.

Conditions:
TTN-related disorder. Also called: TTN-related condition; TTN-related disease; TTN-related disorders.
Cardiovascular phenotype. Identifiers: MedGen CN230736.
Early-onset myopathy with fatal cardiomyopathy (CMYO5). Also called: Salih Myopathy; CONGENITAL MYOPATHY 5 WITH CARDIOMYOPATHY. Identifiers: Orphanet 289377, MedGen C2673677, MONDO:0012714, OMIM 611705. Disease mechanism: loss of function.
Myopathy, myofibrillar, 9, with early respiratory failure (MFM9). Also called: Hereditary myopathy with early respiratory failure; EDSTROM MYOPATHY; MYOPATHY, PROXIMAL, WITH EARLY RESPIRATORY MUSCLE INVOLVEMENT; Myopathy, distal, with early respiratory failure, autosomal dominant. Identifiers: Orphanet 178464, Orphanet 34521, MedGen C1863599, MONDO:0011362, OMIM 603689.
Autosomal recessive limb-girdle muscular dystrophy type 2J (LGMDR10). Also called: Limb-girdle muscular dystrophy, type 2J; MUSCULAR DYSTROPHY, LIMB-GIRDLE, AUTOSOMAL RECESSIVE 10. Identifiers: Orphanet 140922, MedGen C1837342, MONDO:0012127, OMIM 608807.
Dilated cardiomyopathy 1G (CMD1G). Identifiers: Orphanet 154, MedGen C1858763, MONDO:0011400, OMIM 604145.
Tibial muscular dystrophy (TMD). Also called: Tibial muscular dystrophy, tardive; UDD MYOPATHY; Udd Distal Myopathy – Tibial Muscular Dystrophy. Identifiers: Orphanet 609, MedGen C1838244, MONDO:0010870, OMIM 600334.

Allele frequency attached by ClinVar (database versions not stated): ExAC 0.00003; TOPMed 0.00004; gnomAD 0.00005; gnomAD exomes 0.00005 and 0.00008; ESP Exome Variant Server 0.00008; 1000 Genomes Project 30x 0.00016; 1000 Genomes Project 0.00020.
gnomAD v4.1: 122 of 1,613,692 alleles (0.0076%); highest among the groups gnomAD compares: Non-Finnish European, 0.0098%; no homozygotes.

Submissions (13):

PreventionGenetics, part of Exact Sciences
Classification: Uncertain significance for TTN-related condition. Last evaluated: 2026-06-19. Review status: criteria provided, single submitter. Criteria: ACMG Guidelines, 2015. Collection method: clinical testing. Allele origin: germline.
Comment: The TTN c.82220T>C variant is predicted to result in the amino acid substitution p.Ile27407Thr. To our knowledge, this variant has not been reported in the literature in individuals with TTN-related disorders. This variant is reported in 0.010% of alleles in individuals of European (Non-Finnish) descent in gnomAD. At this time, the clinical significance of this variant is uncertain due to the absence of conclusive functional and genetic evidence.

Blueprint Genetics
Classification: Likely benign. Last evaluated: 2024-05-28. Review status: criteria provided, single submitter. Criteria: ACMG Guidelines, 2015. Collection method: clinical testing. Allele origin: germline.

Revvity Omics, Revvity
Classification: Uncertain significance. Last evaluated: 2023-10-25. Review status: criteria provided, single submitter. Criteria: ACMG Guidelines, 2015. Collection method: clinical testing. Allele origin: germline.

GeneDx
Classification: Likely benign. Last evaluated: 2021-05-06. Review status: criteria provided, single submitter. Criteria: GeneDx Variant Classification Process June 2021. Collection method: clinical testing. Allele origin: germline. Affected: yes.
Comment: This variant is associated with the following publications: (PMID: 29263846)

Centre for Mendelian Genomics, University Medical Centre Ljubljana
Classification: Uncertain significance for Tibial muscular dystrophy. Last evaluated: 2019-10-10. Review status: criteria provided, single submitter. Criteria: ACMG Guidelines, 2015. Collection method: clinical testing. Allele origin: unknown. Affected: yes.
Comment: This variant was classified as: Uncertain significance. The available evidence on this variant's pathogenicity is insufficient or conflicting. The following ACMG criteria were applied in classifying this variant: PP3,BP1.

Ambry Genetics
Classification: Uncertain significance for Cardiovascular phenotype. Last evaluated: 2018-11-20. Review status: criteria provided, single submitter. Criteria: Ambry Variant Classification Scheme 2023. Collection method: clinical testing. Allele origin: germline.
Comment: The p.I18342T variant (also known as c.55025T>C), located in coding exon 153 of the TTN gene, results from a T to C substitution at nucleotide position 55025. The isoleucine at codon 18342 is replaced by threonine, an amino acid with similar properties. This alteration, noted as p.I27407T (c.82220T>C) was reported in a subject with features of Bannayan-Riley-Ruvalcaba syndrome who was negative for PTEN alterations (Yehia L et al. NPJ Genom Med, 2017 Dec;2:37). This amino acid position is highly conserved in available vertebrate species. In addition, the in silico prediction for this alteration is inconclusive. Since supporting evidence is limited at this time, the clinical significance of this alteration remains unclear.

Illumina Laboratory Services, Illumina
Classification: Uncertain significance for Early-onset myopathy with fatal cardiomyopathy. Last evaluated: 2018-01-13. Review status: criteria provided, single submitter. Criteria: ICSL Variant Classification Criteria 13 December 2019. Collection method: clinical testing. Allele origin: germline.

Illumina Laboratory Services, Illumina
Classification: Uncertain significance for Autosomal recessive limb-girdle muscular dystrophy type 2J. Last evaluated: 2018-01-13. Review status: criteria provided, single submitter. Criteria: ICSL Variant Classification Criteria 13 December 2019. Collection method: clinical testing. Allele origin: germline.

Illumina Laboratory Services, Illumina
Classification: Uncertain significance for Myopathy, myofibrillar, 9, with early respiratory failure. Last evaluated: 2018-01-13. Review status: criteria provided, single submitter. Criteria: ICSL Variant Classification Criteria 13 December 2019. Collection method: clinical testing. Allele origin: germline.

Illumina Laboratory Services, Illumina
Classification: Uncertain significance for Dilated cardiomyopathy 1G. Last evaluated: 2018-01-13. Review status: criteria provided, single submitter. Criteria: ICSL Variant Classification Criteria 13 December 2019. Collection method: clinical testing. Allele origin: germline.

Illumina Laboratory Services, Illumina
Classification: Uncertain significance for Tibial muscular dystrophy. Last evaluated: 2018-01-13. Review status: criteria provided, single submitter. Criteria: ICSL Variant Classification Criteria 13 December 2019. Collection method: clinical testing. Allele origin: germline.

Eurofins Ntd Llc (ga)
Classification: Uncertain significance. Last evaluated: 2017-04-26. Review status: criteria provided, single submitter. Criteria: EGL Classification Definitions 2015. Collection method: clinical testing. Allele origin: germline. Observed: 3 variant alleles, 3 heterozygotes.

Laboratory for Molecular Medicine, Mass General Brigham Personalized Medicine
Classification: Uncertain significance. Last evaluated: 2014-06-19. Review status: criteria provided, single submitter. Criteria: LMM Criteria. Collection method: clinical testing. Allele origin: germline. Observed: 2 variant alleles.
Comment: It was also identified in 1/8190 European American chromosomes by the NHLBI Exome Sequencing Project (dbSNP rs3760 37252). Computational prediction tools and conservation analyses do not provide strong support for or against an impact to the protein. Additional information i s needed to fully assess the clinical significance of the Ile24839Thr variant.

Literature cited by the submitters: PubMed 29263846 (cited by Ambry Genetics).

NM_001267550.2(TTN):c.82220T>C (p.Ile27407Thr)

Genes: TTN (titin; minus strand), TTN-AS1 (TTN antisense RNA 1; plus strand). Cytogenetic location: 2q31.2.
Variant type: single nucleotide variant.
Coding change: c.82220T>C on transcript NM_001267550.2 (MANE Select); coding-DNA position 82220, T replaced by C.
Protein change: p.Ile27407Thr; replaces isoleucine 27407 with threonine.
Molecular consequence: missense variant.
Genome position (GRCh38, 1-based): chr2:178,563,912, A>G on the plus strand (T>C on the coding strand, the complement: TTN is on the minus strand). VCF-style: chr2-178563912-A-G. GRCh37 (hg19) VCF-style: chr2-179428639-A-G.
Other names: c.74516T>C, p.Ile24839Thr (NM_133378.4); c.77297T>C, p.Ile25766Thr (NM_001256850.1); c.55025T>C, p.Ile18342Thr (NM_003319.4); c.55400T>C, p.Ile18467Thr (NM_133432.3); c.55601T>C, p.Ile18534Thr (NM_133437.4); short protein forms I27407T, I24839T, I18342T, I25766T, I18467T, I18534T.
Identifiers: ClinVar variation 47409 (VCV000047409.24), dbSNP rs376037252, ClinGen allele CA140918.